The following is an entry in ClinVar:

ClinVar aggregate classification (germline): Benign. Review status: criteria provided, single submitter (1 of 4 stars). 2 submissions from 2 submitters: Benign (1). 1 of the submissions does not count toward it. Last evaluated 2025-12-31.

Conditions:
PLA2G4A-related disorder. Also called: PLA2G4A-related condition.

Allele frequency attached by ClinVar (database versions not stated): 1000 Genomes Project 0.00519; 1000 Genomes Project 30x 0.00531.
gnomAD v4.1: 2,101 of 1,576,284 alleles (0.13%); highest among the groups gnomAD compares: South Asian, 2.2%; 41 homozygotes.

Submissions (2):

Labcorp Genetics (formerly Invitae), Labcorp
Classification: Benign. Last evaluated: 2025-12-31. Review status: criteria provided, single submitter. Criteria: Invitae Variant Classification Sherloc (09022015). Collection method: clinical testing. Allele origin: germline.

PreventionGenetics, part of Exact Sciences
Classification: Benign for PLA2G4A-related condition. Last evaluated: 2019-09-26. Review status: no assertion criteria provided. Collection method: clinical testing. Allele origin: germline. Not counted in ClinVar's aggregate classification.
Comment: This variant is classified as benign based on ACMG/AMP sequence variant interpretation guidelines (Richards et al. 2015 PMID: 25741868, with internal and published modifications).

NM_024420.3(PLA2G4A):c.1960+4A>C

Gene: PLA2G4A (phospholipase A2 group IVA; plus strand). Cytogenetic location: 1q31.1.
Variant type: single nucleotide variant.
Coding change: c.1960+4A>C on transcript NM_024420.3 (MANE Select); 4 bases into the intron after coding-DNA position 1960, A replaced by C.
Molecular consequence: intron variant.
Genome position (GRCh38, 1-based): chr1:186,977,792, A>C. VCF-style: chr1-186977792-A-C. GRCh37 (hg19) VCF-style: chr1-186946924-A-C.
Other names: c.1780+4A>C (NM_001311193.2); c.1960+4A>C (NM_024420.2).
Identifiers: ClinVar variation 2056000 (VCV002056000.6), dbSNP rs577639985, ClinGen allele CA1300324.